The following is an entry in ClinVar:

ClinVar aggregate classification (germline): Likely benign. Review status: criteria provided, multiple submitters, no conflicts (2 of 4 stars). 2 submissions from 2 submitters: Likely benign (2). Last evaluated 2023-08-04.

Conditions:
Developmental and epileptic encephalopathy, 42 (DEE42A). Also called: Epileptic encephalopathy, early infantile, 42; DEVELOPMENTAL AND EPILEPTIC ENCEPHALOPATHY 42A; EPILEPTIC ENCEPHALOPATHY, EARLY INFANTILE, 42A. Identifiers: MedGen C4310716, MONDO:0014917, OMIM 617106.
Episodic ataxia type 2 (EA2). Also called: ACETAZOLAMIDE-RESPONSIVE HEREDITARY PAROXYSMAL CEREBELLAR ATAXIA; ATAXIA, FAMILIAL PAROXYSMAL; CEREBELLAR ATAXIA, PAROXYSMAL, ACETAZOLAMIDE-RESPONSIVE; CEREBELLOPATHY, HEREDITARY PAROXYSMAL; EPISODIC ATAXIA, NYSTAGMUS-ASSOCIATED; ATAXIA, EPISODIC, WITH NYSTAGMUS. Identifiers: Orphanet 97, MedGen C1720416, MONDO:0007163, OMIM 108500.

gnomAD v4.1: 1 of 1,614,050 alleles (0.000062%); highest among the groups gnomAD compares: African/African-American, 0.0013%; no homozygotes.

Submissions (2):

Labcorp Genetics (formerly Invitae), Labcorp
Classification: Likely benign for Developmental and epileptic encephalopathy, 42; Episodic ataxia type 2. Last evaluated: 2023-08-04. Review status: criteria provided, single submitter. Criteria: Invitae Variant Classification Sherloc (09022015). Collection method: clinical testing. Allele origin: germline.

GeneDx
Classification: Likely benign. Last evaluated: 2018-05-24. Review status: criteria provided, single submitter. Criteria: GeneDx Variant Classification (06012015). Collection method: clinical testing. Allele origin: germline. Affected: yes.
Comment: This variant is considered likely benign or benign based on one or more of the following criteria: it is a conservative change, it occurs at a poorly conserved position in the protein, it is predicted to be benign by multiple in silico algorithms, and/or has population frequency not consistent with disease.

NM_001127222.2(CACNA1A):c.1965A>T (p.Ala655=)

Gene: CACNA1A (calcium voltage-gated channel subunit alpha1 A; minus strand). Cytogenetic location: 19p13.13.
Variant type: single nucleotide variant.
Coding change: c.1965A>T on transcript NM_001127222.2 (MANE Select); coding-DNA position 1965, A replaced by T.
Protein change: p.Ala655=; no amino-acid change (alanine 655 retained).
Molecular consequence: synonymous variant.
Genome position (GRCh38, 1-based): chr19:13,307,803, T>A on the plus strand (A>T on the coding strand, the complement: CACNA1A is on the minus strand). VCF-style: chr19-13307803-T-A. GRCh37 (hg19) VCF-style: chr19-13418617-T-A.
Other names: c.1968A>T, p.Ala656= (NM_000068.4, NM_001127221.2, NM_001174080.2 and 1 more transcripts).
Identifiers: ClinVar variation 668630 (VCV000668630.6), dbSNP rs1600291631, ClinGen allele CA505661092.